The following is an entry in ClinVar:

NC_000016.10:g.67660426G>A

Genes: ACD (ACD shelterin complex subunit and telomerase recruitment factor; minus strand), LOC130059224 (ATAC-STARR-seq lymphoblastoid silent region 7617; plus strand). Cytogenetic location: 16q22.1.
Variant type: single nucleotide variant.
Genome position: GRCh38 VCF-style: chr16-67660426-G-A. GRCh37 (hg19) VCF-style: chr16-67694329-G-A.
Identifiers: ClinVar variation 2420822 (VCV002420822.43), dbSNP rs1265843178, ClinGen allele CA396360032.

ClinVar aggregate classification (germline): Uncertain significance (1 of 4 stars; one submission).

Conditions:
Dyskeratosis congenita, autosomal dominant 6 (DKCA6). Identifiers: Orphanet 3322, MedGen C4225284, MONDO:0014690, OMIM 616553.

Submission:

Labcorp Genetics (formerly Invitae), Labcorp
Classification: Uncertain significance for Dyskeratosis congenita, autosomal dominant 6. Last evaluated: 2022-05-26. Review status: criteria provided, single submitter. Criteria: Invitae Variant Classification Sherloc (09022015). Collection method: clinical testing. Allele origin: germline.
Comment: This variant has not been reported in the literature in individuals affected with ACD-related conditions. In summary, the available evidence is currently insufficient to determine the role of this variant in disease. Therefore, it has been classified as a Variant of Uncertain Significance. Algorithms developed to predict the effect of missense changes on protein structure and function output the following: SIFT: "Deleterious"; PolyPhen-2: "Possibly Damaging"; Align-GVGD: "Class C0". The phenylalanine amino acid residue is found in multiple mammalian species, which suggests that this missense change does not adversely affect protein function. This variant is not present in population databases (gnomAD no frequency). This sequence change replaces serine, which is neutral and polar, with phenylalanine, which is neutral and non-polar, at codon 18 of the ACD protein (p.Ser18Phe).